The following is an entry in ClinVar:

ClinVar aggregate classification (germline): Uncertain significance (1 of 4 stars; one submission).

Submission:

Labcorp Genetics (formerly Invitae), Labcorp
Classification: Uncertain significance. Last evaluated: 2023-10-03. Review status: criteria provided, single submitter. Criteria: Invitae Variant Classification Sherloc (09022015). Collection method: clinical testing. Allele origin: germline.
Comment: A copy number gain of the genomic region encompassing the full coding sequence of the PHYH gene has been identified. The boundaries of this event are unknown as they extend beyond the assayed region for this gene and therefore may encompass additional genes. As the precise location of this event is unknown, it may be in tandem or it may be located elsewhere in the genome. This variant has not been reported in the literature in individuals affected with PHYH-related conditions. In summary, the available evidence is currently insufficient to determine the role of this variant in disease. Therefore, it has been classified as a Variant of Uncertain Significance.

NC_000010.10:g.(?_12111033)_(13342042_?)dup

Genes: CAMK1D (calcium/calmodulin dependent protein kinase ID; plus strand), CCDC3 (coiled-coil domain containing 3; minus strand), CDC123 (cell division cycle 123; plus strand), DHTKD1 (dehydrogenase E1 and transketolase domain containing 1; plus strand), MCM10 (minichromosome maintenance 10 replication initiation factor; plus strand) and 5 more. Cytogenetic location: 10p14-13.
Variant type: Duplication.
Identifiers: ClinVar variation 1447308 (VCV001447308.5).